The following is an entry in ClinVar:

NM_000292.3(PHKA2):c.547A>G (p.Met183Val)

Gene: PHKA2 (phosphorylase kinase regulatory subunit alpha 2; minus strand). Cytogenetic location: Xp22.13.
Variant type: single nucleotide variant.
Coding change: c.547A>G on transcript NM_000292.3 (MANE Select); coding-DNA position 547, A replaced by G.
Protein change: p.Met183Val; replaces methionine 183 with valine.
Molecular consequence: missense variant.
Genome position (GRCh38, 1-based): chrX:18,945,149, T>C on the plus strand (A>G on the coding strand, the complement: PHKA2 is on the minus strand). VCF-style: chrX-18945149-T-C. GRCh37 (hg19) VCF-style: chrX-18963267-T-C.
Other names: short protein forms M183V.
Identifiers: ClinVar variation 2908917 (VCV002908917.4), dbSNP rs763525899, ClinGen allele CA10362085.
Genomic context (GRCh38, chrX:18,945,149, plus strand): 5'-CTACGGAGCTTGCATTCAATTCCGGGATGCCCTGATTAGTCTTATCTCCACGCTCCCACA[T>C]TCCATAATCCTGGGGGAGAAAAAGGTGGGAATCAGAGGGGAGAAAGAGGTATATAAGAAG-3'
Protein context (NP_000283.1, residues 173-193): EAAYKVADYG[Met183Val]WERGDKTNQG

ClinVar aggregate classification (germline): Uncertain significance. Review status: criteria provided, multiple submitters, no conflicts (2 of 4 stars). 2 submissions from 2 submitters: Uncertain significance (2). Last evaluated 2025-08-20.

Conditions:
Glycogen storage disease IXa1. Also called: LIVER GLYCOGENOSIS, X-LINKED, TYPE I; GLYCOGEN STORAGE DISEASE VIII; GSD VIII; Glycogen storage disease 8. Identifiers: Orphanet 264580, MedGen C3694531, MONDO:0010598, OMIM 306000.

Allele frequency attached by ClinVar (database versions not stated): gnomAD exomes below 0.00001; ExAC 0.00001; TOPMed 0.00001; gnomAD 0.00002.

Submissions (2):

Labcorp Genetics (formerly Invitae), Labcorp
Classification: Uncertain significance for Glycogen storage disease IXa1. Last evaluated: 2025-08-20. Review status: criteria provided, single submitter. Criteria: Invitae Variant Classification Sherloc (09022015). Collection method: clinical testing. Allele origin: germline.
Comment: This sequence change replaces methionine, which is neutral and non-polar, with valine, which is neutral and non-polar, at codon 183 of the PHKA2 protein (p.Met183Val). This variant is present in population databases (rs763525899, gnomAD 0.002%). This variant has not been reported in the literature in individuals affected with PHKA2-related conditions. ClinVar contains an entry for this variant (Variation ID: 2908917). Invitae Evidence Modeling of protein sequence and biophysical properties (such as structural, functional, and spatial information, amino acid conservation, physicochemical variation, residue mobility, and thermodynamic stability) indicates that this missense variant is not expected to disrupt PHKA2 protein function with a negative predictive value of 80%. In summary, the available evidence is currently insufficient to determine the role of this variant in disease. Therefore, it has been classified as a Variant of Uncertain Significance.

Blueprint Genetics
Classification: Uncertain significance. Last evaluated: 2020-02-13. Review status: criteria provided, single submitter. Criteria: ACMG Guidelines, 2015. Collection method: clinical testing. Allele origin: germline.